The following is an entry in ClinVar:

ClinVar aggregate classification (germline): Uncertain significance. Review status: criteria provided, single submitter (1 of 4 stars). 2 submissions from 2 submitters: Uncertain significance (1). 1 of the submissions does not count toward it. Last evaluated 2025-01-28.

Conditions:
Glycogen storage disease, type II (IOPD). Also called: Glucosidase acid-1,4-alpha deficiency; Pompe Disease; GLYCOGENOSIS, GENERALIZED, CARDIAC FORM; GSD II; Glycogen storage disease type 2; Acid maltase deficiency disease. Identifiers: Orphanet 365, MedGen C0017921, MONDO:0009290, OMIM 232300.

Submissions (2):

Labcorp Genetics (formerly Invitae), Labcorp
Classification: Uncertain significance for Glycogen storage disease, type II. Last evaluated: 2025-01-28. Review status: criteria provided, single submitter. Criteria: Invitae Variant Classification Sherloc (09022015). Collection method: clinical testing. Allele origin: germline.
Comment: This sequence change replaces isoleucine, which is neutral and non-polar, with methionine, which is neutral and non-polar, at codon 581 of the GAA protein (p.Ile581Met). This variant is present in population databases (rs527970795, gnomAD 0.02%). This variant has not been reported in the literature in individuals affected with GAA-related conditions. ClinVar contains an entry for this variant (Variation ID: 968986). Invitae Evidence Modeling of protein sequence and biophysical properties (such as structural, functional, and spatial information, amino acid conservation, physicochemical variation, residue mobility, and thermodynamic stability) indicates that this missense variant is not expected to disrupt GAA protein function with a negative predictive value of 95%. In summary, the available evidence is currently insufficient to determine the role of this variant in disease. Therefore, it has been classified as a Variant of Uncertain Significance.

Natera, Inc.
Classification: Uncertain significance for Glycogen storage disease type II. Last evaluated: 2020-09-24. Review status: no assertion criteria provided. Collection method: clinical testing. Allele origin: germline. Not counted in ClinVar's aggregate classification.

NM_000152.5(GAA):c.1743C>G (p.Ile581Met)

Gene: GAA (alpha glucosidase; plus strand). Cytogenetic location: 17q25.3.
Variant type: single nucleotide variant.
Coding change: c.1743C>G on transcript NM_000152.5 (MANE Select); coding-DNA position 1743, C replaced by G.
Protein change: p.Ile581Met; replaces isoleucine 581 with methionine.
Molecular consequence: missense variant.
Genome position (GRCh38, 1-based): chr17:80,112,089, C>G. VCF-style: chr17-80112089-C-G. GRCh37 (hg19) VCF-style: chr17-78085888-C-G.
Other names: c.1743C>G, p.Ile581Met (NM_001079803.3, NM_001079804.3); short protein forms I581M.
Identifiers: ClinVar variation 968986 (VCV000968986.13), dbSNP rs527970795, ClinGen allele CA8815444.
Genomic context (GRCh38, chr17:80,112,089, plus strand): 5'-CCACCAGTTTCTCTCCACACACTACAACCTGCACAACCTCTACGGCCTGACCGAAGCCAT[C>G]GCCTCCCACAGGTGAGGGCCACGTCCCGCCCCACTGGGCTCTGCCCTCACAGCCTGTCCT-3'
Protein context (NP_000143.2, residues 571-591): LHNLYGLTEA[Ile581Met]ASHRALVKAR